The following is an entry in ClinVar:

NM_003743.5(NCOA1):c.2659G>A (p.Asp887Asn)

Gene: NCOA1 (nuclear receptor coactivator 1; plus strand). Cytogenetic location: 2p23.3.
Variant type: single nucleotide variant.
Coding change: c.2659G>A on transcript NM_003743.5 (MANE Select); coding-DNA position 2659, G replaced by A.
Protein change: p.Asp887Asn; replaces aspartic acid 887 with asparagine.
Molecular consequence: missense variant.
Genome position (GRCh38, 1-based): chr2:24,726,648, G>A. VCF-style: chr2-24726648-G-A. GRCh37 (hg19) VCF-style: chr2-24949517-G-A.
Other names: c.2659G>A, p.Asp887Asn (NM_001362950.1, NM_001362952.1, NM_001362954.1 and 3 more transcripts); short protein forms D887N.
Identifiers: ClinVar variation 2411566 (VCV002411566.4), dbSNP rs755365583, ClinGen allele CA1552460.

ClinVar aggregate classification (germline): Uncertain significance. Review status: criteria provided, single submitter (1 of 4 stars). 2 submissions from 2 submitters: Uncertain significance (1). 1 of the submissions does not count toward it. Last evaluated 2021-08-28.

Conditions:
NCOA1-related disorder. Also called: NCOA1-related condition.

gnomAD v4.1: 6 of 1,611,020 alleles (0.00037%); highest among the groups gnomAD compares: Admixed American, 0.0017%; no homozygotes.

Submissions (2):

Ambry Genetics
Classification: Uncertain significance. Last evaluated: 2021-08-28. Review status: criteria provided, single submitter. Criteria: Ambry Variant Classification Scheme 2023. Collection method: clinical testing. Allele origin: germline.

PreventionGenetics, part of Exact Sciences
Classification: Uncertain significance for NCOA1-related condition. Last evaluated: 2024-05-12. Review status: no assertion criteria provided. Collection method: clinical testing. Allele origin: germline. Not counted in ClinVar's aggregate classification.
Comment: The NCOA1 c.2659G>A variant is predicted to result in the amino acid substitution p.Asp887Asn. To our knowledge, this variant has not been reported in the literature. This variant is reported in 0.0058% of alleles in individuals of Latino descent in gnomAD. At this time, the clinical significance of this variant is uncertain due to the absence of conclusive functional and genetic evidence.